The following is an entry in ClinVar:

ClinVar aggregate classification (germline): Uncertain significance (1 of 4 stars; one submission).

Submission:

Labcorp Genetics (formerly Invitae), Labcorp
Classification: Uncertain significance. Last evaluated: 2025-06-30. Review status: criteria provided, single submitter. Criteria: Invitae Variant Classification Sherloc (09022015). Collection method: clinical testing. Allele origin: germline.
Comment: This sequence change replaces alanine, which is neutral and non-polar, with threonine, which is neutral and polar, at codon 217 of the PPM1F protein (p.Ala217Thr). This variant is not present in population databases (gnomAD no frequency). This variant has not been reported in the literature in individuals affected with PPM1F-related conditions. An algorithm developed to predict the effect of missense changes on protein structure and function outputs the following: PolyPhen-2: "Benign". The threonine amino acid residue is found in multiple mammalian species, which suggests that this missense change does not adversely affect protein function. In summary, the available evidence is currently insufficient to determine the role of this variant in disease. Therefore, it has been classified as a Variant of Uncertain Significance.

NM_014634.4(PPM1F):c.649G>A (p.Ala217Thr)

Gene: PPM1F (protein phosphatase, Mg2+/Mn2+ dependent 1F; minus strand). Cytogenetic location: 22q11.22.
Variant type: single nucleotide variant.
Coding change: c.649G>A on transcript NM_014634.4 (MANE Select); coding-DNA position 649, G replaced by A.
Protein change: p.Ala217Thr; replaces alanine 217 with threonine.
Molecular consequence: missense variant.
Genome position (GRCh38, 1-based): chr22:21,933,489, C>T on the plus strand (G>A on the coding strand, the complement: PPM1F is on the minus strand). VCF-style: chr22-21933489-C-T. GRCh37 (hg19) VCF-style: chr22-22287861-C-T.
Other names: c.145G>A, p.Ala49Thr (NM_001410836.1); short protein forms A217T, A49T.
Identifiers: ClinVar variation 4765307 (VCV004765307.1).